The following is an entry in ClinVar:

NM_001367624.2(ZNF469):c.9514G>T (p.Ala3172Ser)

Gene: ZNF469 (zinc finger protein 469; plus strand). Cytogenetic location: 16q24.2.
Variant type: single nucleotide variant.
Coding change: c.9514G>T on transcript NM_001367624.2 (MANE Select); coding-DNA position 9514, G replaced by T.
Protein change: p.Ala3172Ser; replaces alanine 3172 with serine.
Molecular consequence: missense variant.
Genome position (GRCh38, 1-based): chr16:88,436,984, G>T. VCF-style: chr16-88436984-G-T. GRCh37 (hg19) VCF-style: chr16-88503392-G-T.
Other names: NM_001127464.1:c.9430G>T; short protein forms A3172S.
Identifiers: ClinVar variation 1766946 (VCV001766946.2), dbSNP rs2507603378, ClinGen allele CA397122604.
Genomic context (GRCh38, chr16:88,436,984, plus strand): 5'-AGGTTTGGCTCGCGGGAGCTGCTGCGGGGGCACCTGCAGGAGAGGCACGCGCAGAGCAAG[G>T]CCGGGCCCTGGGCGTGCGGCATGTGCCTGAAGGAGGTGGCCGACGTCTGGATGTACAACG-3'
Protein context (NP_001354553.1, residues 3162-3182): HLQERHAQSK[Ala3172Ser]GPWACGMCLK

ClinVar aggregate classification (germline): Uncertain significance (1 of 4 stars; one submission).

Conditions:
Cardiovascular phenotype. Identifiers: MedGen CN230736.

Allele frequency attached by ClinVar (database versions not stated): gnomAD exomes below 0.00001.
gnomAD v4.1: 4 of 1,515,316 alleles (0.00026%); highest among the groups gnomAD compares: South Asian, 0.0012%; no homozygotes.

Submission:

Ambry Genetics
Classification: Uncertain significance for Cardiovascular phenotype. Last evaluated: 2020-09-08. Review status: criteria provided, single submitter. Criteria: Ambry Variant Classification Scheme 2023. Collection method: clinical testing. Allele origin: germline.
Comment: The p.A3144S variant (also known as c.9430G>T), located in coding exon 2 of the ZNF469 gene, results from a G to T substitution at nucleotide position 9430. The alanine at codon 3144 is replaced by serine, an amino acid with similar properties. This amino acid position is not well conserved in available vertebrate species. In addition, this alteration is predicted to be tolerated by in silico analysis. Since supporting evidence is limited at this time, the clinical significance of this alteration remains unclear.